The following is an entry in ClinVar:

ClinVar aggregate classification (germline): Uncertain significance (1 of 4 stars; one submission).

Submission:

Ambry Genetics
Classification: Uncertain significance. Last evaluated: 2024-09-30. Review status: criteria provided, single submitter. Criteria: Ambry Variant Classification Scheme 2023. Collection method: clinical testing. Allele origin: germline.
Comment: The p.S287F variant (also known as c.860C>T), located in coding exon 4 of the MNDA gene, results from a C to T substitution at nucleotide position 860. The serine at codon 287 is replaced by phenylalanine, an amino acid with highly dissimilar properties. This amino acid position is conserved. In addition, this alteration is predicted to be tolerated by in silico analysis. Based on the available evidence, the clinical significance of this variant remains unclear.

NM_002432.3(MNDA):c.860C>T (p.Ser287Phe)

Gene: MNDA (myeloid cell nuclear differentiation antigen; plus strand). Cytogenetic location: 1q23.1.
Variant type: single nucleotide variant.
Coding change: c.860C>T on transcript NM_002432.3 (MANE Select); coding-DNA position 860, C replaced by T.
Protein change: p.Ser287Phe; replaces serine 287 with phenylalanine.
Molecular consequence: missense variant.
Genome position (GRCh38, 1-based): chr1:158,845,876, C>T. VCF-style: chr1-158845876-C-T. GRCh37 (hg19) VCF-style: chr1-158815666-C-T.
Other names: short protein forms S287F.
Identifiers: ClinVar variation 3397295 (VCV003397295.1).
Genomic context (GRCh38, chr1:158,845,876, plus strand): 5'-CCATATCTGATTACTCTGAATGTAAAGGAGTAATGGAAATAAAGGAAGCATCATCTGTGT[C>T]TGACTTTAATCAAAATTTTGAGGTCCCAAACAGAATTATCGAAATAGCAAATAAAACTCC-3'
Protein context (NP_002423.1, residues 277-297): VMEIKEASSV[Ser287Phe]DFNQNFEVPN